The following is an entry in ClinVar:

NM_000135.4(FANCA):c.2151G>T (p.Met717Ile)

Gene: FANCA (FA complementation group A; minus strand). Cytogenetic location: 16q24.3.
Variant type: single nucleotide variant.
Coding change: c.2151G>T on transcript NM_000135.4 (MANE Select); coding-DNA position 2151, G replaced by T.
Protein change: p.Met717Ile; replaces methionine 717 with isoleucine.
Molecular consequence: missense variant.
Genome position (GRCh38, 1-based): chr16:89,771,678, C>A on the plus strand (G>T on the coding strand, the complement: FANCA is on the minus strand). VCF-style: chr16-89771678-C-A. GRCh37 (hg19) VCF-style: chr16-89838086-C-A.
Other names: c.2151G>T (LRG_495t1, NM_000135.3); c.2151G>T, p.Met717Ile (NM_001286167.3); short protein forms M717I.
Identifiers: ClinVar variation 134252 (VCV000134252.44), dbSNP rs1131660, ClinGen allele CA159269.

ClinVar aggregate classification (germline): Benign/Likely benign. Review status: criteria provided, multiple submitters, no conflicts (2 of 4 stars). 18 submissions from 18 submitters: Benign (8); Likely benign (5). 5 of the submissions do not count toward it. Last evaluated 2026-02-04.

Conditions:
Fanconi anemia (FA). Also called: Fanconi's anemia. Identifiers: Orphanet 84, MedGen C0015625, MeSH D005199, MONDO:0019391.
Fanconi anemia complementation group A (FANCA). Also called: Fanconi anemia, group A; FANCA-Related Fanconi Anemia. Identifiers: Orphanet 84, MedGen C3469521, MONDO:0009215, OMIM 227650.

Allele frequency attached by ClinVar (database versions not stated): 1000 Genomes Project 0.01597; 1000 Genomes Project 30x 0.01655; gnomAD 0.02196 and 0.02234; ExAC 0.02219; ESP Exome Variant Server 0.02231; TOPMed 0.02453.

Submissions 1 to 31 of 79:

Labcorp Genetics (formerly Invitae), Labcorp
Classification: Benign for Fanconi anemia. Last evaluated: 2026-02-04. Review status: criteria provided, single submitter. Criteria: Invitae Variant Classification Sherloc (09022015). Collection method: clinical testing. Allele origin: germline.

Genomic Medicine Center of Excellence, King Faisal Specialist Hospital and Research Centre
Classification: Likely benign. Last evaluated: 2025-08-18. Review status: criteria provided, single submitter. Criteria: ACMG Guidelines, 2015. Collection method: clinical testing. Allele origin: germline.

CeGaT Center for Human Genetics Tuebingen
Classification: Benign. Last evaluated: 2025-08-01. Review status: criteria provided, single submitter. Criteria: CeGaT Center For Human Genetics Tuebingen Variant Classification Criteria Version 2. Collection method: clinical testing. Allele origin: germline. Affected: yes. Observed: 2 variant alleles.
Comment: FANCA: BP4, BS1, BS2

GeneKor MSA
Classification: Benign for Fanconi anemia complementation group A. Last evaluated: 2025-07-10. Review status: criteria provided, single submitter. Criteria: ACMG Guidelines, 2015. Collection method: clinical testing. Allele origin: germline.

ARUP Laboratories, Molecular Genetics and Genomics, ARUP Laboratories
Classification: Benign for Fanconi anemia complementation group A. Last evaluated: 2025-04-16. Review status: criteria provided, single submitter. Criteria: ARUP Molecular Germline Variant Investigation Process 2024. Collection method: clinical testing. Allele origin: germline.

Quest Diagnostics Nichols Institute San Juan Capistrano
Classification: Benign. Last evaluated: 2025-04-04. Review status: criteria provided, single submitter. Criteria: Quest Diagnostics criteria. Collection method: clinical testing. Allele origin: unknown.

Blueprint Genetics
Classification: Likely benign. Last evaluated: 2024-11-27. Review status: criteria provided, single submitter. Criteria: ACMG Guidelines, 2015. Collection method: clinical testing. Allele origin: germline.

Mayo Clinic Laboratories, Mayo Clinic
Classification: Likely benign. Last evaluated: 2024-11-06. Review status: criteria provided, single submitter. Criteria: ACMG Guidelines, 2015. Collection method: clinical testing. Allele origin: germline. Observed: 88 variant alleles.
Comment: BS1

KCCC/NGS Laboratory, Kuwait Cancer Control Center
Classification: Benign for Fanconi anemia complementation group A. Last evaluated: 2023-07-07. Review status: criteria provided, single submitter. Criteria: ACMG Guidelines, 2015. Collection method: clinical testing. Allele origin: germline. Affected: yes.

GeneDx
Classification: Likely benign. Last evaluated: 2021-03-24. Review status: criteria provided, single submitter. Criteria: GeneDx Variant Classification Process June 2021. Collection method: clinical testing. Allele origin: germline. Affected: yes.

Illumina Laboratory Services, Illumina
Classification: Benign for Fanconi anemia complementation group A. Last evaluated: 2018-01-13. Review status: criteria provided, single submitter. Criteria: ICSL Variant Classification Criteria 13 December 2019. Collection method: clinical testing. Allele origin: germline.
Comment: This variant was observed in the ICSL laboratory as part of a predisposition screen in an ostensibly healthy population. It had not been previously curated by ICSL or reported in the Human Gene Mutation Database (HGMD: prior to June 1st, 2018), and was therefore a candidate for classification through an automated scoring system. Utilizing variant allele frequency, disease prevalence and penetrance estimates, and inheritance mode, an automated score was calculated to assess if this variant is too frequent to cause the disease. Based on the score and internal cut-off values, a variant classified as benign is not then subjected to further curation. The score for this variant resulted in a classification of benign for this disease.

Breakthrough Genomics
Classification: Likely benign. Review status: criteria provided, single submitter. Criteria: ACMG Guidelines, 2015. Collection method: not provided. Allele origin: germline. Inheritance: Autosomal recessive inheritance. Affected: yes.

PreventionGenetics, part of Exact Sciences
Classification: Benign. Review status: criteria provided, single submitter. Criteria: ACMG Guidelines, 2015. Collection method: clinical testing. Allele origin: germline.

Natera, Inc.
Classification: Benign for Fanconi anemia, group A. Last evaluated: 2020-09-16. Review status: no assertion criteria provided. Collection method: clinical testing. Allele origin: germline. Not counted in ClinVar's aggregate classification.

Leiden Open Variation Database
Classification: Likely benign for Fanconi anemia complementation group A. Last evaluated: 2020-02-28. Review status: no assertion criteria provided. Collection method: curation. Allele origin: germline. Affected: yes. Not counted in ClinVar's aggregate classification.
Comment: Curator: Arleen D. Auerbach. Submitter to LOVD: Sue Richards.

ITMI
No classification provided. Condition: AllHighlyPenetrant. Last evaluated: 2013-09-19. Review status: no classification provided. Collection method: reference population. Allele origin: germline. Not counted in ClinVar's aggregate classification.
Comment: Please see associated publication for description of ethnicities

Dr. Peter K. Rogan Lab, Western University
No classification provided (evidence only). Condition: Melanoma. Review status: no classification provided. Collection method: in vitro. Allele origin: not applicable. Functional consequence: retained intron. Not counted in ClinVar's aggregate classification.

Dr. Peter K. Rogan Lab, Western University
No classification provided (evidence only). Condition: Melanoma. Review status: no classification provided. Collection method: in vitro. Allele origin: not applicable. Functional consequence: retained intron. Not counted in ClinVar's aggregate classification.

Dr. Peter K. Rogan Lab, Western University
No classification provided (evidence only). Condition: Melanoma. Review status: no classification provided. Collection method: in vitro. Allele origin: not applicable. Functional consequence: retained intron. Not counted in ClinVar's aggregate classification.

Dr. Peter K. Rogan Lab, Western University
No classification provided (evidence only). Condition: Melanoma. Review status: no classification provided. Collection method: in vitro. Allele origin: not applicable. Functional consequence: retained intron. Not counted in ClinVar's aggregate classification.

Dr. Peter K. Rogan Lab, Western University
No classification provided (evidence only). Condition: Melanoma. Review status: no classification provided. Collection method: in vitro. Allele origin: not applicable. Functional consequence: retained intron. Not counted in ClinVar's aggregate classification.

Dr. Peter K. Rogan Lab, Western University
No classification provided (evidence only). Condition: Melanoma. Review status: no classification provided. Collection method: in vitro. Allele origin: not applicable. Functional consequence: retained intron. Not counted in ClinVar's aggregate classification.

Dr. Peter K. Rogan Lab, Western University
No classification provided (evidence only). Condition: Familial cancer of breast. Review status: no classification provided. Collection method: in vitro. Allele origin: not applicable. Functional consequence: retained intron. Not counted in ClinVar's aggregate classification.

Dr. Peter K. Rogan Lab, Western University
No classification provided (evidence only). Condition: Acute myeloid leukemia. Review status: no classification provided. Collection method: in vitro. Allele origin: not applicable. Functional consequence: retained intron. Not counted in ClinVar's aggregate classification.

Dr. Peter K. Rogan Lab, Western University
No classification provided (evidence only). Condition: Acute myeloid leukemia. Review status: no classification provided. Collection method: in vitro. Allele origin: not applicable. Functional consequence: retained intron. Not counted in ClinVar's aggregate classification.

Dr. Peter K. Rogan Lab, Western University
No classification provided (evidence only). Condition: Acute myeloid leukemia. Review status: no classification provided. Collection method: in vitro. Allele origin: not applicable. Functional consequence: retained intron. Not counted in ClinVar's aggregate classification.

Dr. Peter K. Rogan Lab, Western University
No classification provided (evidence only). Condition: Acute myeloid leukemia. Review status: no classification provided. Collection method: in vitro. Allele origin: not applicable. Functional consequence: retained intron. Not counted in ClinVar's aggregate classification.

Dr. Peter K. Rogan Lab, Western University
No classification provided (evidence only). Condition: Acute myeloid leukemia. Review status: no classification provided. Collection method: in vitro. Allele origin: not applicable. Functional consequence: retained intron. Not counted in ClinVar's aggregate classification.

Dr. Peter K. Rogan Lab, Western University
No classification provided (evidence only). Condition: Acute myeloid leukemia. Review status: no classification provided. Collection method: in vitro. Allele origin: not applicable. Functional consequence: retained intron. Not counted in ClinVar's aggregate classification.

Dr. Peter K. Rogan Lab, Western University
No classification provided (evidence only). Condition: Acute myeloid leukemia. Review status: no classification provided. Collection method: in vitro. Allele origin: not applicable. Functional consequence: retained intron. Not counted in ClinVar's aggregate classification.

Dr. Peter K. Rogan Lab, Western University
No classification provided (evidence only). Condition: Acute myeloid leukemia. Review status: no classification provided. Collection method: in vitro. Allele origin: not applicable. Functional consequence: retained intron. Not counted in ClinVar's aggregate classification.